The following is an entry in ClinVar:

NM_001042492.3(NF1):c.435C>T (p.Leu145=)

Gene: NF1 (neurofibromin 1; plus strand). Cytogenetic location: 17q11.2.
Variant type: single nucleotide variant.
Coding change: c.435C>T on transcript NM_001042492.3 (MANE Select); coding-DNA position 435, C replaced by T.
Protein change: p.Leu145=; no amino-acid change (leucine 145 retained).
Molecular consequence: synonymous variant.
Genome position (GRCh38, 1-based): chr17:31,163,332, C>T. VCF-style: chr17-31163332-C-T. GRCh37 (hg19) VCF-style: chr17-29490350-C-T.
Other names: c.435C>T, p.Leu145= (NM_000267.4, NM_001128147.3).
Identifiers: ClinVar variation 232520 (VCV000232520.11), dbSNP rs876659818, ClinGen allele CA10580190.

ClinVar aggregate classification (germline): Likely benign. Review status: criteria provided, multiple submitters, no conflicts (2 of 4 stars). 3 submissions from 3 submitters: Likely benign (3). Last evaluated 2025-09-13.

Conditions:
Hereditary cancer-predisposing syndrome. Also called: Hereditary Cancer Syndrome; Neoplastic Syndromes, Hereditary; Tumor predisposition; Hereditary neoplastic syndrome. Identifiers: Orphanet 140162, MedGen C0027672, MeSH D009386, MONDO:0015356.
Neurofibromatosis, type 1 (NF1). Also called: Neurofibromatosis, type I; VON RECKLINGHAUSEN DISEASE; NEUROFIBROMATOSIS, TYPE I, SOMATIC; Peripheral type neurofibromatosis. Identifiers: Orphanet 636, MedGen C0027831, MONDO:0018975, OMIM 162200. Disease mechanism: loss of function.

Allele frequency attached by ClinVar (database versions not stated): TOPMed below 0.00001.

Submissions (3):

Labcorp Genetics (formerly Invitae), Labcorp
Classification: Likely benign for Neurofibromatosis, type 1. Last evaluated: 2025-09-13. Review status: criteria provided, single submitter. Criteria: Invitae Variant Classification Sherloc (09022015). Collection method: clinical testing. Allele origin: germline.

Genome-Nilou Lab
Classification: Likely benign for Neurofibromatosis, type 1. Last evaluated: 2022-03-15. Review status: criteria provided, single submitter. Criteria: ACMG Guidelines, 2015. Collection method: clinical testing. Allele origin: germline. Affected: no.

Ambry Genetics
Classification: Likely benign for Hereditary cancer-predisposing syndrome. Last evaluated: 2015-06-19. Review status: criteria provided, single submitter. Criteria: Ambry Autosomal Dominant and X-Linked criteria (10/2015). Collection method: clinical testing. Allele origin: germline. Observed: 1 variant allele.
Comment: Synonymous alterations with insufficient evidence to classify as benign